The following is an entry in ClinVar:

ClinVar aggregate classification (germline): Uncertain significance (1 of 4 stars; one submission).

Conditions:
Hereditary cancer-predisposing syndrome. Also called: Tumor predisposition; Hereditary neoplastic syndrome; Hereditary Cancer Syndrome; Neoplastic Syndromes, Hereditary. Identifiers: Orphanet 140162, MedGen C0027672, MeSH D009386, MONDO:0015356.

gnomAD v4.1: 1 of 1,614,076 alleles (0.000062%); highest among the groups gnomAD compares: South Asian, 0.0011%; no homozygotes.

Submission:

Ambry Genetics
Classification: Uncertain significance for Hereditary cancer-predisposing syndrome. Last evaluated: 2025-06-02. Review status: criteria provided, single submitter. Criteria: Ambry Variant Classification Scheme 2023. Collection method: clinical testing. Allele origin: germline.
Comment: The p.L1360Q variant (also known as c.4079T>A), located in coding exon 32 of the POLE gene, results from a T to A substitution at nucleotide position 4079. The leucine at codon 1360 is replaced by glutamine, an amino acid with dissimilar properties. This amino acid position is conserved. In addition, this alteration is predicted to be deleterious by in silico analysis. Based on the available evidence, the clinical significance of this variant remains unclear.

NM_006231.4(POLE):c.4079T>A (p.Leu1360Gln)

Gene: POLE (DNA polymerase epsilon, catalytic subunit; minus strand). Cytogenetic location: 12q24.33.
Variant type: single nucleotide variant.
Coding change: c.4079T>A on transcript NM_006231.4 (MANE Select); coding-DNA position 4079, T replaced by A.
Protein change: p.Leu1360Gln; replaces leucine 1360 with glutamine.
Molecular consequence: missense variant.
Genome position (GRCh38, 1-based): chr12:132,648,999, A>T on the plus strand (T>A on the coding strand, the complement: POLE is on the minus strand). VCF-style: chr12-132648999-A-T. GRCh37 (hg19) VCF-style: chr12-133225585-A-T.
Other names: short protein forms L1360Q.
Identifiers: ClinVar variation 3935787 (VCV003935787.1).